The following is an entry in ClinVar:

NM_020699.4(GATAD2B):c.788A>G (p.Gln263Arg)

Gene: GATAD2B (GATA zinc finger domain containing 2B; minus strand). Cytogenetic location: 1q21.3.
Variant type: single nucleotide variant.
Coding change: c.788A>G on transcript NM_020699.4 (MANE Select); coding-DNA position 788, A replaced by G.
Protein change: p.Gln263Arg; replaces glutamine 263 with arginine.
Molecular consequence: missense variant.
Genome position (GRCh38, 1-based): chr1:153,817,484, T>C on the plus strand (A>G on the coding strand, the complement: GATAD2B is on the minus strand). VCF-style: chr1-153817484-T-C. GRCh37 (hg19) VCF-style: chr1-153789960-T-C.
Other names: short protein forms Q263R.
Identifiers: ClinVar variation 2131759 (VCV002131759.4), dbSNP rs1319905789, ClinGen allele CA342530638.

ClinVar aggregate classification (germline): Uncertain significance (1 of 4 stars; one submission).

Allele frequency attached by ClinVar (database versions not stated): TOPMed below 0.00001; gnomAD 0.00001.

Submission:

Labcorp Genetics (formerly Invitae), Labcorp
Classification: Uncertain significance. Last evaluated: 2022-05-23. Review status: criteria provided, single submitter. Criteria: Invitae Variant Classification Sherloc (09022015). Collection method: clinical testing. Allele origin: germline.
Comment: In summary, the available evidence is currently insufficient to determine the role of this variant in disease. Therefore, it has been classified as a Variant of Uncertain Significance. Algorithms developed to predict the effect of missense changes on protein structure and function are either unavailable or do not agree on the potential impact of this missense change (SIFT: "Not Available"; PolyPhen-2: "Possibly Damaging"; Align-GVGD: "Not Available"). This variant has not been reported in the literature in individuals affected with GATAD2B-related conditions. This variant is not present in population databases (gnomAD no frequency). This sequence change replaces glutamine, which is neutral and polar, with arginine, which is basic and polar, at codon 263 of the GATAD2B protein (p.Gln263Arg).